The following is an entry in ClinVar:

NC_000017.10:g.(?_63553914)_(63554738_?)dup

Gene: AXIN2 (axin 2; minus strand). Cytogenetic location: 17q24.1.
Variant type: Duplication.
Identifiers: ClinVar variation 3243034 (VCV003243034.1).

ClinVar aggregate classification (germline): Uncertain significance (1 of 4 stars; one submission).

Conditions:
Oligodontia-cancer predisposition syndrome. Also called: TOOTH AGENESIS-COLORECTAL CANCER SYNDROME. Identifiers: Orphanet 300576, MedGen C1837750, MONDO:0012075, OMIM 608615. Disease mechanism: loss of function.

Submission:

Labcorp Genetics (formerly Invitae), Labcorp
Classification: Uncertain significance for Oligodontia-cancer predisposition syndrome. Last evaluated: 2023-09-25. Review status: criteria provided, single submitter. Criteria: Invitae Variant Classification Sherloc (09022015). Collection method: clinical testing. Allele origin: unknown.
Comment: This variant results in a copy number gain of the genomic region encompassing exon(s) 2 of the AXIN2 gene. This region includes the initiator codon of the gene. This copy number gain extends beyond the assayed region for this gene and therefore may encompass additional genes. As the precise location of this event is unknown, it may be in tandem or it may be located elsewhere in the genome. This variant has not been reported in the literature in individuals affected with AXIN2-related conditions. In summary, the available evidence is currently insufficient to determine the role of this variant in disease. Therefore, it has been classified as a Variant of Uncertain Significance.